The following is an entry in ClinVar:

ClinVar aggregate classification (germline): Likely pathogenic (1 of 4 stars; one submission).

Conditions:
EGFR-related lung cancer (EGFR). Identifiers: MedGen CN130014.

Submission:

Labcorp Genetics (formerly Invitae), Labcorp
Classification: Likely pathogenic for EGFR-related lung cancer. Last evaluated: 2024-03-13. Review status: criteria provided, single submitter. Criteria: Invitae Variant Classification Sherloc (09022015). Collection method: clinical testing. Allele origin: germline.
Comment: This sequence change affects an acceptor splice site in intron 4 of the EGFR gene. It is expected to disrupt RNA splicing. Variants that disrupt the donor or acceptor splice site typically lead to a loss of protein function (PMID: 16199547), and loss-of-function variants in EGFR are known to be pathogenic (PMID: 7630400, 28726809, 29899996). This variant is not present in population databases (gnomAD no frequency). This variant has not been reported in the literature in individuals affected with EGFR-related conditions. Algorithms developed to predict the effect of sequence changes on RNA splicing suggest that this variant may disrupt the consensus splice site. In summary, the currently available evidence indicates that the variant is pathogenic, but additional data are needed to prove that conclusively. Therefore, this variant has been classified as Likely Pathogenic.

Literature cited by the submitters: PubMed 16199547; PubMed 7630400; PubMed 28726809; PubMed 29899996.

NM_005228.5(EGFR):c.560-1G>T

Gene: EGFR (epidermal growth factor receptor; plus strand). Cytogenetic location: 7p11.2.
Variant type: single nucleotide variant.
Coding change: c.560-1G>T on transcript NM_005228.5 (MANE Select); the canonical splice acceptor site of the intron before coding-DNA position 560, G replaced by T.
Molecular consequence: splice acceptor variant. On other transcripts: intron variant (1).
Genome position (GRCh38, 1-based): chr7:55,151,293, G>T. VCF-style: chr7-55151293-G-T. GRCh37 (hg19) VCF-style: chr7-55218986-G-T.
Other names: c.425-1G>T (NM_001346899.2, NM_001346897.2); c.89-4537G>T (NM_001346941.2); c.560-1G>T (NM_001346898.2, NM_201284.2, NM_201282.2 and 1 more transcripts); c.401-1G>T (NM_001346900.2).
Identifiers: ClinVar variation 3645733 (VCV003645733.2).